The following is an entry in ClinVar:

ClinVar aggregate classification (germline): Benign. Review status: criteria provided, multiple submitters, no conflicts (2 of 4 stars). 2 submissions from 2 submitters: Benign (2). Last evaluated 2018-01-12.

Conditions:
Hereditary spastic paraplegia 30. Identifiers: Orphanet 101010, MedGen C5235139, MONDO:0012476.

Allele frequency attached by ClinVar (database versions not stated): TOPMed 0.00291; gnomAD 0.00392; 1000 Genomes Project 30x 0.01858; 1000 Genomes Project 0.02037.

Submissions (2):

Illumina Laboratory Services, Illumina
Classification: Benign for Spastic paraplegia 30A, autosomal dominant. Last evaluated: 2018-01-12. Review status: criteria provided, single submitter. Criteria: ICSL Variant Classification Criteria 13 December 2019. Collection method: clinical testing. Allele origin: germline.
Comment: This variant was observed in the ICSL laboratory as part of a predisposition screen in an ostensibly healthy population. It had not been previously curated by ICSL or reported in the Human Gene Mutation Database (HGMD: prior to June 1st, 2018), and was therefore a candidate for classification through an automated scoring system. Utilizing variant allele frequency, disease prevalence and penetrance estimates, and inheritance mode, an automated score was calculated to assess if this variant is too frequent to cause the disease. Based on the score and internal cut-off values, a variant classified as benign is not then subjected to further curation. The score for this variant resulted in a classification of benign for this disease.

Breakthrough Genomics
Classification: Benign. Review status: criteria provided, single submitter. Criteria: ACMG Guidelines, 2015. Collection method: not provided. Allele origin: germline. Inheritance: Autosomal recessive inheritance. Affected: yes.

NM_001244008.2(KIF1A):c.*2543C>T

Gene: KIF1A (kinesin family member 1A; minus strand). Cytogenetic location: 2q37.3.
Variant type: single nucleotide variant.
Coding change: c.*2543C>T on transcript NM_001244008.2 (MANE Select); 2543 bases downstream of the stop codon, C replaced by T.
Molecular consequence: 3 prime UTR variant.
Genome position (GRCh38, 1-based): chr2:240,714,821, G>A on the plus strand (C>T on the coding strand, the complement: KIF1A is on the minus strand). VCF-style: chr2-240714821-G-A. GRCh37 (hg19) VCF-style: chr2-241654238-G-A.
Other names: c.*2543C>T (NM_001320705.2, NM_001330289.2, NM_001330290.2 and 20 more transcripts).
Identifiers: ClinVar variation 335223 (VCV000335223.6), dbSNP rs141926687, ClinGen allele CA10612890.